The following is an entry in ClinVar:

ClinVar aggregate classification (germline): Uncertain significance (1 of 4 stars; one submission).

gnomAD v4.1: 2 of 1,534,390 alleles (0.00013%); highest among the groups gnomAD compares: Non-Finnish European, 0.00018%; no homozygotes.

Submission:

GeneDx
Classification: Uncertain significance. Last evaluated: 2025-01-27. Review status: criteria provided, single submitter. Criteria: GeneDx Variant Classification Process June 2021. Collection method: clinical testing. Allele origin: germline. Affected: yes.
Comment: Not observed at significant frequency in large population cohorts (gnomAD); In silico analysis supports that this missense variant has a deleterious effect on protein structure/function; Has not been previously published as pathogenic or benign to our knowledge

NM_001244008.2(KIF1A):c.1993G>A (p.Ala665Thr)

Gene: KIF1A (kinesin family member 1A; minus strand). Cytogenetic location: 2q37.3.
Variant type: single nucleotide variant.
Coding change: c.1993G>A on transcript NM_001244008.2 (MANE Select); coding-DNA position 1993, G replaced by A.
Protein change: p.Ala665Thr; replaces alanine 665 with threonine.
Molecular consequence: missense variant.
Genome position (GRCh38, 1-based): chr2:240,763,048, C>T on the plus strand (G>A on the coding strand, the complement: KIF1A is on the minus strand). VCF-style: chr2-240763048-C-T. GRCh37 (hg19) VCF-style: chr2-241702465-C-T.
Other names: c.1993G>A, p.Ala665Thr (NM_001320705.2, NM_001330289.2, NM_001379638.1); c.2068G>A, p.Ala690Thr (NM_001330290.2, NM_001379631.1, NM_001379634.1 and 2 more transcripts); c.1966G>A, p.Ala656Thr (NM_001379632.1, NM_001379633.1, NM_001379636.1 and 10 more transcripts); c.2041G>A, p.Ala681Thr (NM_001379637.1, NM_001379648.1); short protein forms A656T, A665T, A681T, A690T.
Identifiers: ClinVar variation 4071875 (VCV004071875.1).